The following is an entry in ClinVar:

NM_153603.4(COG7):c.2003-3C>T

Gene: COG7 (component of oligomeric golgi complex 7; minus strand). Cytogenetic location: 16p12.2.
Variant type: single nucleotide variant.
Coding change: c.2003-3C>T on transcript NM_153603.4 (MANE Select); 3 bases into the intron before coding-DNA position 2003, C replaced by T.
Molecular consequence: intron variant.
Genome position (GRCh38, 1-based): chr16:23,392,526, G>A on the plus strand (C>T on the coding strand, the complement: COG7 is on the minus strand). VCF-style: chr16-23392526-G-A. GRCh37 (hg19) VCF-style: chr16-23403847-G-A.
Identifiers: ClinVar variation 1962996 (VCV001962996.5), dbSNP rs201032528, ClinGen allele CA7960805.

ClinVar aggregate classification (germline): Uncertain significance (1 of 4 stars; one submission).

Conditions:
COG7 congenital disorder of glycosylation (CDG2E). Also called: CDG IIe; CONGENITAL DISORDER OF GLYCOSYLATION, TYPE IIe. Identifiers: Orphanet 79333, MedGen C2931010, MONDO:0012118, OMIM 608779.

Allele frequency attached by ClinVar (database versions not stated): gnomAD exomes below 0.00001; ExAC 0.00001; gnomAD 0.00001; 1000 Genomes Project 30x 0.00016; 1000 Genomes Project 0.00020.
gnomAD v4.1: 6 of 1,614,180 alleles (0.00037%); highest among the groups gnomAD compares: Middle Eastern, 0.016%; no homozygotes.

Submission:

Labcorp Genetics (formerly Invitae), Labcorp
Classification: Uncertain significance for COG7 congenital disorder of glycosylation. Last evaluated: 2022-06-24. Review status: criteria provided, single submitter. Criteria: Invitae Variant Classification Sherloc (09022015). Collection method: clinical testing. Allele origin: germline.
Comment: Variants that disrupt the consensus splice site are a relatively common cause of aberrant splicing (PMID: 17576681, 9536098). Algorithms developed to predict the effect of sequence changes on RNA splicing suggest that this variant is not likely to affect RNA splicing. This variant has not been reported in the literature in individuals affected with COG7-related conditions. This variant is present in population databases (rs201032528, gnomAD 0.007%). This sequence change falls in intron 15 of the COG7 gene. It does not directly change the encoded amino acid sequence of the COG7 protein. It affects a nucleotide within the consensus splice site. In summary, the available evidence is currently insufficient to determine the role of this variant in disease. Therefore, it has been classified as a Variant of Uncertain Significance.

Literature cited by the submitters: PubMed 17576681; PubMed 9536098.